The following is an entry in ClinVar:

NM_005732.4(RAD50):c.756+8G>C

Gene: RAD50 (RAD50 double strand break repair protein; plus strand). Cytogenetic location: 5q31.1.
Variant type: single nucleotide variant.
Coding change: c.756+8G>C on transcript NM_005732.4 (MANE Select); 8 bases into the intron after coding-DNA position 756, G replaced by C.
Molecular consequence: intron variant.
Genome position (GRCh38, 1-based): chr5:132,580,074, G>C. VCF-style: chr5-132580074-G-C. GRCh37 (hg19) VCF-style: chr5-131915766-G-C.
Identifiers: ClinVar variation 2845019 (VCV002845019.5), dbSNP rs751656699, ClinGen allele CA3405024.

ClinVar aggregate classification (germline): Conflicting classifications of pathogenicity. Review status: criteria provided, conflicting classifications (1 of 4 stars). 2 submissions from 2 submitters: Uncertain significance (1); Likely benign (1). Last evaluated 2026-05-01.

Conditions:
Hereditary cancer-predisposing syndrome. Also called: Hereditary Cancer Syndrome; Hereditary neoplastic syndrome; Neoplastic Syndromes, Hereditary; Tumor predisposition. Identifiers: Orphanet 140162, MedGen C0027672, MeSH D009386, MONDO:0015356.

Allele frequency attached by ClinVar (database versions not stated): ExAC 0.00001.

Submissions (2):

CeGaT Center for Human Genetics Tuebingen
Classification: Uncertain significance. Last evaluated: 2026-05-01. Review status: criteria provided, single submitter. Criteria: CeGaT Center For Human Genetics Tuebingen Variant Classification Criteria Version 2. Collection method: clinical testing. Allele origin: germline. Affected: yes. Observed: 1 variant allele.
Comment: RAD50: PM2, BP4

Labcorp Genetics (formerly Invitae), Labcorp
Classification: Likely benign for Hereditary cancer-predisposing syndrome. Last evaluated: 2023-03-11. Review status: criteria provided, single submitter. Criteria: Invitae Variant Classification Sherloc (09022015). Collection method: clinical testing. Allele origin: germline.